The following is an entry in ClinVar:

ClinVar aggregate classification (germline): Likely benign (1 of 4 stars; one submission).

Allele frequency attached by ClinVar (database versions not stated): gnomAD 0.00003; TOPMed 0.00001; ExAC 0.00001.
gnomAD v4.1: 38 of 1,613,984 alleles (0.0024%); highest among the groups gnomAD compares: Non-Finnish European, 0.0029%; no homozygotes.

Submission:

GeneDx
Classification: Likely benign. Last evaluated: 2016-06-27. Review status: criteria provided, single submitter. Criteria: GeneDx Variant Classification (06012015). Collection method: clinical testing. Allele origin: germline. Affected: yes.
Comment: This variant is considered likely benign or benign based on one or more of the following criteria: it is a conservative change, it occurs at a poorly conserved position in the protein, it is predicted to be benign by multiple in silico algorithms, and/or has population frequency not consistent with disease.

NM_016373.4(WWOX):c.409+17G>A

Gene: WWOX (WW domain containing oxidoreductase; plus strand). Cytogenetic location: 16q23.1.
Variant type: single nucleotide variant.
Coding change: c.409+17G>A on transcript NM_016373.4 (MANE Select); 17 bases into the intron after coding-DNA position 409, G replaced by A.
Molecular consequence: intron variant.
Genome position (GRCh38, 1-based): chr16:78,115,171, G>A. VCF-style: chr16-78115171-G-A. GRCh37 (hg19) VCF-style: chr16-78149068-G-A.
Other names: c.70+17G>A (NM_001291997.2); c.409+17G>A (NM_130791.5).
Identifiers: ClinVar variation 387089 (VCV000387089.1), dbSNP rs771445250, ClinGen allele CA8183183.